The following is an entry in ClinVar:

ClinVar aggregate classification (germline): Likely pathogenic. Review status: criteria provided, single submitter (1 of 4 stars). 2 submissions from 2 submitters: Likely pathogenic (1). 1 of the submissions does not count toward it. Last evaluated 2023-01-25.

Conditions:
Joubert syndrome 7 (JBTS7). Identifiers: Orphanet 220497, MedGen C1969053, MONDO:0012694, OMIM 611560.

gnomAD v4.1: 1 of 1,613,420 alleles (0.000062%); no homozygotes.

Submissions (2):

Broad Center for Mendelian Genomics, Broad Institute of MIT and Harvard
Classification: Likely pathogenic for Joubert syndrome 7. Last evaluated: 2023-01-25. Review status: criteria provided, single submitter. Criteria: ACMG Guidelines, 2015. Collection method: curation. Allele origin: germline. Inheritance: Autosomal recessive inheritance.
Comment: The p.Trp1198Ter variant in RPGRIP1L has not been reported in individuals with Joubert syndrome 7. This variant has also been reported in ClinVar (Variation ID: 635022) and has been interpreted as likely pathogenic by the Broad Rare Disease Group. This variant was absent from large population studies. This nonsense variant leads to a premature termination codon at position 1198, which is predicted to lead to a truncated or absent protein. Loss of function of the RPGRIP1L gene is strongly associated to autosomal recessive Joubert syndrome 7. In summary, although additional studies are required to fully establish its clinical significance, this variant is likely pathogenic for Joubert syndrome 7. ACMG/AMP Criteria applied: PVS1_Strong, PM2_Supporting, PM3_Supporting (Richards 2015).

Neurology Department of Pediatrics, The Third Affiliated Hospital of Zhengzhou University
Classification: Uncertain significance for Joubert syndrome 7. Review status: no assertion criteria provided. Collection method: clinical testing. Allele origin: inherited. Inheritance: Autosomal dominant inheritance. Affected: yes. Not counted in ClinVar's aggregate classification.

NM_015272.5(RPGRIP1L):c.3594G>A (p.Trp1198Ter)

Gene: RPGRIP1L (RPGRIP1 like; minus strand). Cytogenetic location: 16q12.2.
Variant type: single nucleotide variant.
Coding change: c.3594G>A on transcript NM_015272.5 (MANE Select); coding-DNA position 3594, G replaced by A.
Protein change: p.Trp1198Ter; replaces tryptophan 1198 with a stop codon.
Molecular consequence: nonsense.
Genome position (GRCh38, 1-based): chr16:53,619,047, C>T on the plus strand (G>A on the coding strand, the complement: RPGRIP1L is on the minus strand). VCF-style: chr16-53619047-C-T. GRCh37 (hg19) VCF-style: chr16-53652959-C-T.
Other names: NM_015272.5(RPGRIP1L):c.3594G>A; c.3354G>A, p.Trp1118Ter (NM_001127897.4); c.3456G>A, p.Trp1152Ter (NM_001308334.3); c.3492G>A, p.Trp1164Ter (NM_001330538.2); c.3354G>A (NM_001127897.3); short protein forms W1118*, W1198*, W1152*, W1164*.
Identifiers: ClinVar variation 635022 (VCV000635022.3), dbSNP rs1567800920, ClinGen allele CA395923378.